The following is an entry in ClinVar:

ClinVar aggregate classification (germline): Uncertain significance. Review status: criteria provided, multiple submitters, no conflicts (2 of 4 stars). 2 submissions from 2 submitters: Uncertain significance (2). Last evaluated 2024-05-14.

Conditions:
Malignant hyperthermia, susceptibility to, 5 (MHS5). Also called: CACNA1S-Related Malignant Hyperthermia Susceptibility. Identifiers: Orphanet 423, MedGen C1866077, MONDO:0011163, OMIM 601887.

Allele frequency attached by ClinVar (database versions not stated): gnomAD exomes below 0.00001; gnomAD 0.00001; TOPMed 0.00001.
gnomAD v4.1: 2 of 1,613,830 alleles (0.00012%); highest among the groups gnomAD compares: Non-Finnish European, 0.00017%; no homozygotes.

Submissions (2):

All of Us Research Program, National Institutes of Health
Classification: Uncertain significance for Malignant hyperthermia, susceptibility to, 5. Last evaluated: 2024-05-14. Review status: criteria provided, single submitter. Criteria: ACMG Guidelines, 2015. Collection method: clinical testing. Allele origin: germline. Inheritance: Autosomal dominant inheritance. Observed: 2 variant alleles, 2 heterozygotes.
Comment: This missense variant replaces threonine with alanine at codon 785 of the CACNA1S protein. Computational prediction is inconclusive regarding the impact of this variant on protein structure and function (internally defined REVEL score threshold 0.5 < inconclusive < 0.7, PMID: 27666373). To our knowledge, functional studies have not been reported for this variant. This variant has not been reported in individuals affected with CACNA1S-related disorders in the literature. This variant has not been identified in the general population by the Genome Aggregation Database (gnomAD). The available evidence is insufficient to determine the role of this variant in disease conclusively. Therefore, this variant is classified as a Variant of Uncertain Significance.

This study involves interpretation of variants in research participants for the purpose of population health screening. Participant phenotype was not available at the time of variant classification. Additional details can be found in publication PMID: 35346344, PMCID: PMC8962531

Color Diagnostics, LLC DBA Color Health
Classification: Uncertain significance for Malignant hyperthermia, susceptibility to, 5. Last evaluated: 2024-05-06. Review status: criteria provided, single submitter. Criteria: ACMG Guidelines, 2015. Collection method: clinical testing. Allele origin: germline.
Comment: This missense variant replaces threonine with alanine at codon 785 of the CACNA1S protein. Computational prediction is inconclusive regarding the impact of this variant on protein structure and function. To our knowledge, functional studies have not been reported for this variant. This variant has not been reported in individuals affected with CACNA1S-related disorders in the literature. This variant has not been identified in the general population by the Genome Aggregation Database (gnomAD). The available evidence is insufficient to determine the role of this variant in disease conclusively. Therefore, this variant is classified as a Variant of Uncertain Significance.

NM_000069.3(CACNA1S):c.2353A>G (p.Thr785Ala)

Gene: CACNA1S (calcium voltage-gated channel subunit alpha1 S; minus strand). Cytogenetic location: 1q32.1.
Variant type: single nucleotide variant.
Coding change: c.2353A>G on transcript NM_000069.3 (MANE Select); coding-DNA position 2353, A replaced by G.
Protein change: p.Thr785Ala; replaces threonine 785 with alanine.
Molecular consequence: missense variant.
Genome position (GRCh38, 1-based): chr1:201,070,279, T>C on the plus strand (A>G on the coding strand, the complement: CACNA1S is on the minus strand). VCF-style: chr1-201070279-T-C. GRCh37 (hg19) VCF-style: chr1-201039407-T-C.
Other names: short protein forms T785A.
Identifiers: ClinVar variation 3072364 (VCV003072364.3), dbSNP rs1297036456, ClinGen allele CA344108518.